The following is an entry in ClinVar:

ClinVar aggregate classification (germline): Likely benign. Review status: criteria provided, multiple submitters, no conflicts (2 of 4 stars). 4 submissions from 4 submitters: Likely benign (4). Last evaluated 2025-10-24.

Conditions:
Wilson disease (WND). Also called: Wilson's disease. Identifiers: Orphanet 905, MedGen C0019202, MONDO:0010200, OMIM 277900. Disease mechanism: loss of function.

Allele frequency attached by ClinVar (database versions not stated): ExAC 0.00002; gnomAD 0.00003; gnomAD exomes 0.00003; TOPMed 0.00003.
gnomAD v4.1: 42 of 1,613,942 alleles (0.0026%); highest among the groups gnomAD compares: Non-Finnish European, 0.0031%; no homozygotes.

Submissions (4):

Labcorp Genetics (formerly Invitae), Labcorp
Classification: Likely benign for Wilson disease. Last evaluated: 2025-10-24. Review status: criteria provided, single submitter. Criteria: Invitae Variant Classification Sherloc (09022015). Collection method: clinical testing. Allele origin: germline.

CeGaT Center for Human Genetics Tuebingen
Classification: Likely benign. Last evaluated: 2025-10-01. Review status: criteria provided, single submitter. Criteria: CeGaT Center For Human Genetics Tuebingen Variant Classification Criteria Version 2. Collection method: clinical testing. Allele origin: germline. Affected: yes. Observed: 2 variant alleles.
Comment: ATP7B: BP4, BP7

All of Us Research Program, National Institutes of Health
Classification: Likely benign for Wilson disease. Last evaluated: 2023-12-13. Review status: criteria provided, single submitter. Criteria: ACMG Guidelines, 2015. Collection method: clinical testing. Allele origin: germline. Inheritance: Autosomal recessive inheritance. Observed: 12 variant alleles, 12 heterozygotes.
Comment: This study involves interpretation of variants in research participants for the purpose of population health screening. Participant phenotype was not available at the time of variant classification. Additional details can be found in publication PMID: 35346344, PMCID: PMC8962531

Color Diagnostics, LLC DBA Color Health
Classification: Likely benign for Wilson disease. Last evaluated: 2022-06-17. Review status: criteria provided, single submitter. Criteria: ACMG Guidelines, 2015. Collection method: clinical testing. Allele origin: germline.

NM_000053.4(ATP7B):c.3894C>T (p.Val1298=)

Gene: ATP7B (ATPase copper transporting beta; minus strand). Cytogenetic location: 13q14.3.
Variant type: single nucleotide variant.
Coding change: c.3894C>T on transcript NM_000053.4 (MANE Select); coding-DNA position 3894, C replaced by T.
Protein change: p.Val1298=; no amino-acid change (valine 1298 retained).
Molecular consequence: synonymous variant.
Genome position (GRCh38, 1-based): chr13:51,937,485, G>A on the plus strand (C>T on the coding strand, the complement: ATP7B is on the minus strand). VCF-style: chr13-51937485-G-A. GRCh37 (hg19) VCF-style: chr13-52511621-G-A.
Other names: c.3273C>T, p.Val1091= (NM_001005918.3); c.3561C>T, p.Val1187= (NM_001243182.2); c.3660C>T, p.Val1220= (NM_001330578.2); c.3642C>T, p.Val1214= (NM_001330579.2).
Identifiers: ClinVar variation 1117470 (VCV001117470.33), dbSNP rs755044286, ClinGen allele CA6988548.